The following is an entry in ClinVar:

NM_017433.5(MYO3A):c.1565G>A (p.Gly522Glu)

Gene: MYO3A (myosin IIIA; plus strand). Cytogenetic location: 10p12.1.
Variant type: single nucleotide variant.
Coding change: c.1565G>A on transcript NM_017433.5 (MANE Select); coding-DNA position 1565, G replaced by A.
Protein change: p.Gly522Glu; replaces glycine 522 with glutamic acid.
Molecular consequence: missense variant.
Genome position (GRCh38, 1-based): chr10:26,096,383, G>A. VCF-style: chr10-26096383-G-A. GRCh37 (hg19) VCF-style: chr10-26385312-G-A.
Other names: short protein forms G522E.
Identifiers: ClinVar variation 4978053 (VCV004978053.1).

ClinVar aggregate classification (germline): Uncertain significance (1 of 4 stars; one submission).

Conditions:
MYO3A-related disorder. Also called: MYO3A-related condition.

gnomAD v4.1: 19 of 1,603,314 alleles (0.0012%); highest among the groups gnomAD compares: Admixed American, 0.03%; no homozygotes.

Submission:

PreventionGenetics, part of Exact Sciences
Classification: Uncertain significance for MYO3A-related condition. Last evaluated: 2026-03-08. Review status: criteria provided, single submitter. Criteria: ACMG Guidelines, 2015. Collection method: clinical testing. Allele origin: germline.
Comment: The MYO3A c.1565G>A variant is predicted to result in the amino acid substitution p.Gly522Glu. To our knowledge, this variant has not been reported in the literature. This variant is reported in 0.0058% of alleles in individuals of Latino descent in gnomAD. At this time, the clinical significance of this variant is uncertain due to the absence of conclusive functional and genetic evidence.